The following is an entry in ClinVar:

NM_024824.5(ZC3H14):c.1539T>C (p.Pro513=)

Gene: ZC3H14 (zinc finger CCCH-type containing 14; plus strand). Cytogenetic location: 14q31.3.
Variant type: single nucleotide variant.
Coding change: c.1539T>C on transcript NM_024824.5 (MANE Select); coding-DNA position 1539, T replaced by C.
Protein change: p.Pro513=; no amino-acid change (proline 513 retained).
Molecular consequence: synonymous variant. On other transcripts: non-coding transcript variant (1), intron variant (12).
Genome position (GRCh38, 1-based): chr14:88,602,852, T>C. VCF-style: chr14-88602852-T-C. GRCh37 (hg19) VCF-style: chr14-89069196-T-C.
Other names: c.1539T>C, p.Pro513= (NM_001160103.2, NM_001160104.2, NM_001326310.2); c.1464T>C, p.Pro488= (NM_001326296.2, NM_001326299.2, NM_001326307.2 and 1 more transcripts); c.1437T>C, p.Pro479= (NM_001326297.2, NM_001326315.2, NM_001326316.2); c.1074T>C, p.Pro358= (NM_001326300.2, NM_001326302.2); c.1362T>C, p.Pro454= (NM_001326301.2); c.999T>C, p.Pro333= (NM_001326305.2, NM_001326314.2); c.1178-4391T>C (NM_001326303.2); c.1355-4391T>C (NM_001326295.2); and 6 more.
Identifiers: ClinVar variation 2644438 (VCV002644438.24), dbSNP rs148234290, ClinGen allele CA7300604.

ClinVar aggregate classification (germline): Likely benign (1 of 4 stars; one submission).

Allele frequency attached by ClinVar (database versions not stated): gnomAD 0.00010; gnomAD exomes 0.00010; TOPMed 0.00016; ExAC 0.00023; ESP Exome Variant Server 0.00023.
gnomAD v4.1: 164 of 1,614,032 alleles (0.01%); highest among the groups gnomAD compares: Non-Finnish European, 0.014%; no homozygotes.

Submission:

CeGaT Center for Human Genetics Tuebingen
Classification: Likely benign. Last evaluated: 2022-05-01. Review status: criteria provided, single submitter. Criteria: CeGaT Center For Human Genetics Tuebingen Variant Classification Criteria Version 2. Collection method: clinical testing. Allele origin: germline. Affected: yes. Observed: 1 variant allele.
Comment: ZC3H14: BP4